The following is an entry in ClinVar:

NM_052874.5(STX1B):c.403G>A (p.Ala135Thr)

Gene: STX1B (syntaxin 1B; minus strand). Cytogenetic location: 16p11.2.
Variant type: single nucleotide variant.
Coding change: c.403G>A on transcript NM_052874.5 (MANE Select); coding-DNA position 403, G replaced by A.
Protein change: p.Ala135Thr; replaces alanine 135 with threonine.
Molecular consequence: missense variant.
Genome position (GRCh38, 1-based): chr16:30,997,011, C>T on the plus strand (G>A on the coding strand, the complement: STX1B is on the minus strand). VCF-style: chr16-30997011-C-T. GRCh37 (hg19) VCF-style: chr16-31008332-C-T.
Other names: short protein forms A135T.
Identifiers: ClinVar variation 1345805 (VCV001345805.8), dbSNP rs2056596800, ClinGen allele CA395649119.
Genomic context (GRCh38, chr16:30,997,011, plus strand): 5'-TGATCTCCAGTTGCCGCTGGATCCGGTCCTTGCAGCGGTCCCGGTACTTGGACTGGGTCG[C>T]GTTATATTCGGTCATTACCTCCACGAACTTCCGGGACAGTGTGGAGTGCTACGGTGGGGG-3'
Protein context (NP_443106.1, residues 125-145): KFVEVMTEYN[Ala135Thr]TQSKYRDRCK

ClinVar aggregate classification (germline): Uncertain significance (1 of 4 stars; one submission).

Conditions:
Generalized epilepsy with febrile seizures plus, type 9 (GEFSP9). Also called: GEFS+, TYPE 9. Identifiers: Orphanet 36387, MedGen C4015395, MONDO:0014517, OMIM 616172.

Allele frequency attached by ClinVar (database versions not stated): gnomAD exomes below 0.00001; TOPMed 0.00001.
gnomAD v4.1: 4 of 1,608,518 alleles (0.00025%); highest among the groups gnomAD compares: Non-Finnish European, 0.00034%; no homozygotes.

Submission:

Labcorp Genetics (formerly Invitae), Labcorp
Classification: Uncertain significance for Generalized epilepsy with febrile seizures plus, type 9. Last evaluated: 2022-09-13. Review status: criteria provided, single submitter. Criteria: Invitae Variant Classification Sherloc (09022015). Collection method: clinical testing. Allele origin: germline.
Comment: In summary, the available evidence is currently insufficient to determine the role of this variant in disease. Therefore, it has been classified as a Variant of Uncertain Significance. Advanced modeling of protein sequence and biophysical properties (such as structural, functional, and spatial information, amino acid conservation, physicochemical variation, residue mobility, and thermodynamic stability) performed at Invitae indicates that this missense variant is not expected to disrupt STX1B protein function. ClinVar contains an entry for this variant (Variation ID: 1345805). This variant has not been reported in the literature in individuals affected with STX1B-related conditions. This variant is not present in population databases (gnomAD no frequency). This sequence change replaces alanine, which is neutral and non-polar, with threonine, which is neutral and polar, at codon 135 of the STX1B protein (p.Ala135Thr).